The following is an entry in ClinVar:

NM_002633.3(PGM1):c.1143C>T (p.Thr381=)

Gene: PGM1 (phosphoglucomutase 1; plus strand). Cytogenetic location: 1p31.3.
Variant type: single nucleotide variant.
Coding change: c.1143C>T on transcript NM_002633.3 (MANE Select); coding-DNA position 1143, C replaced by T.
Protein change: p.Thr381=; no amino-acid change (threonine 381 retained).
Molecular consequence: synonymous variant.
Genome position (GRCh38, 1-based): chr1:63,638,799, C>T. VCF-style: chr1-63638799-C-T. GRCh37 (hg19) VCF-style: chr1-64104470-C-T.
Other names: c.1197C>T, p.Thr399= (NM_001172818.1); c.552C>T, p.Thr184= (NM_001172819.2).
Identifiers: ClinVar variation 297881 (VCV000297881.11), dbSNP rs140035988, ClinGen allele CA889727.

ClinVar aggregate classification (germline): Uncertain significance. Review status: criteria provided, single submitter (1 of 4 stars). 2 submissions from 2 submitters: Uncertain significance (1). 1 of the submissions does not count toward it. Last evaluated 2022-10-25.

Conditions:
PGM1-congenital disorder of glycosylation. Also called: Congenital disorder of glycosylation type 1t; PHOSPHOGLUCOMUTASE 1 DEFICIENCY; PGM1 DEFICIENCY; GLYCOGEN STORAGE DISEASE XIV; GSD XIV; CDG It. Identifiers: Orphanet 319646, MedGen C2752015, MONDO:0013968, OMIM 614921.
PGM1-related disorder. Also called: PGM1-related condition; PGM1-related disorders.

Allele frequency attached by ClinVar (database versions not stated): gnomAD exomes 0.00008 and 0.00025; ExAC 0.00021; gnomAD 0.00045 and 0.00049; ESP Exome Variant Server 0.00054; TOPMed 0.00065; 1000 Genomes Project 0.00180; 1000 Genomes Project 30x 0.00187.
gnomAD v4.1: 194 of 1,602,308 alleles (0.012%); highest among the groups gnomAD compares: African/African-American, 0.1%; no homozygotes.

Submissions (2):

Labcorp Genetics (formerly Invitae), Labcorp
Classification: Uncertain significance for PGM1-congenital disorder of glycosylation. Last evaluated: 2022-10-25. Review status: criteria provided, single submitter. Criteria: Invitae Variant Classification Sherloc (09022015). Collection method: clinical testing. Allele origin: germline.
Comment: This sequence change affects codon 381 of the PGM1 mRNA. It is a 'silent' change, meaning that it does not change the encoded amino acid sequence of the PGM1 protein. It affects a nucleotide within the consensus splice site. This variant is present in population databases (rs140035988, gnomAD 0.2%). This variant has not been reported in the literature in individuals affected with PGM1-related conditions. ClinVar contains an entry for this variant (Variation ID: 297881). Algorithms developed to predict the effect of sequence changes on RNA splicing suggest that this variant is not likely to affect RNA splicing. In summary, the available evidence is currently insufficient to determine the role of this variant in disease. Therefore, it has been classified as a Variant of Uncertain Significance.

PreventionGenetics, part of Exact Sciences
Classification: Likely benign for PGM1-related condition. Last evaluated: 2024-08-15. Review status: no assertion criteria provided. Collection method: clinical testing. Allele origin: germline. Not counted in ClinVar's aggregate classification.
Comment: This variant is classified as likely benign based on ACMG/AMP sequence variant interpretation guidelines (Richards et al. 2015 PMID: 25741868, with internal and published modifications).